The following is an entry in ClinVar:

NM_001042492.3(NF1):c.8113+2T>G

Gene: NF1 (neurofibromin 1; plus strand). Cytogenetic location: 17q11.2.
Variant type: single nucleotide variant.
Coding change: c.8113+2T>G on transcript NM_001042492.3 (MANE Select); the canonical splice donor site of the intron after coding-DNA position 8113, T replaced by G.
Molecular consequence: splice donor variant.
Genome position (GRCh38, 1-based): chr17:31,358,624, T>G. VCF-style: chr17-31358624-T-G. GRCh37 (hg19) VCF-style: chr17-29685642-T-G.
Other names: c.8050+2T>G (NM_000267.4).
Identifiers: ClinVar variation 827420 (VCV000827420.10), dbSNP rs1597868312, ClinGen allele CA399204035.

ClinVar aggregate classification (germline): Pathogenic/Likely pathogenic. Review status: criteria provided, multiple submitters, no conflicts (2 of 4 stars). 3 submissions from 3 submitters: Pathogenic (2); Likely pathogenic (1). Last evaluated 2022-03-15.

Conditions:
Hereditary cancer-predisposing syndrome. Also called: Neoplastic Syndromes, Hereditary; Hereditary Cancer Syndrome; Hereditary neoplastic syndrome; Tumor predisposition. Identifiers: Orphanet 140162, MedGen C0027672, MeSH D009386, MONDO:0015356.
Cardiovascular phenotype. Identifiers: MedGen CN230736.
Neurofibromatosis, type 1 (NF1). Also called: Neurofibromatosis, type I; Peripheral type neurofibromatosis; VON RECKLINGHAUSEN DISEASE; NEUROFIBROMATOSIS, TYPE I, SOMATIC. Identifiers: Orphanet 636, MedGen C0027831, MONDO:0018975, OMIM 162200. Disease mechanism: loss of function.

Submissions (3):

Genome-Nilou Lab
Classification: Pathogenic for Neurofibromatosis, type 1. Last evaluated: 2022-03-15. Review status: criteria provided, single submitter. Criteria: ACMG Guidelines, 2015. Collection method: clinical testing. Allele origin: germline. Affected: no.

Labcorp Genetics (formerly Invitae), Labcorp
Classification: Pathogenic for Neurofibromatosis, type 1. Last evaluated: 2021-11-12. Review status: criteria provided, single submitter. Criteria: Invitae Variant Classification Sherloc (09022015). Collection method: clinical testing. Allele origin: germline.
Comment: This sequence change affects a donor splice site in intron 54 of the NF1 gene. It is expected to disrupt RNA splicing. Variants that disrupt the donor or acceptor splice site typically lead to a loss of protein function (PMID: 16199547), and loss-of-function variants in NF1 are known to be pathogenic (PMID: 10712197, 23913538). Disruption of this splice site has been observed in individual(s) with neurofibromatosis type 1 (Invitae). It has also been observed to segregate with disease in related individuals. For these reasons, this variant has been classified as Pathogenic. Studies have shown that this variant is associated with altered splicing, but the impact on the resulting protein product is unknown (Invitae). ClinVar contains an entry for this variant (Variation ID: 827420). This variant is not present in population databases (gnomAD no frequency).

Ambry Genetics
Classification: Likely pathogenic for Cardiovascular phenotype; Hereditary cancer-predisposing syndrome. Last evaluated: 2018-01-19. Review status: criteria provided, single submitter. Criteria: Ambry General Variant Classification Scheme_2022. Collection method: clinical testing. Allele origin: germline. Observed: 1 variant allele.
Comment: The c.8050+2T>G intronic variant results from a T to G substitution two nucleotides after coding exon 54 in the NF1 gene. This nucleotide position is highly conserved in available vertebrate species. Using the BDGP and ESEfinder splice site prediction tools, this alteration is predicted to abolish the native splice donor site; however, direct evidence is unavailable. Alterations that disrupt the canonical splice site are expected to cause aberrant splicing, resulting in an abnormal protein or a transcript that is subject to nonsense-mediated mRNA decay. As such, this alteration is classified as likely pathogenic.

Literature cited by the submitters: PubMed 16199547 (cited by Labcorp Genetics (formerly Invitae), Labcorp); PubMed 10712197 (cited by Labcorp Genetics (formerly Invitae), Labcorp); PubMed 23913538 (cited by Labcorp Genetics (formerly Invitae), Labcorp).